The following is an entry in ClinVar:

ClinVar aggregate classification (germline): Uncertain significance. Review status: criteria provided, multiple submitters, no conflicts (2 of 4 stars). 2 submissions from 2 submitters: Uncertain significance (2). Last evaluated 2025-08-07.

Conditions:
Inborn genetic diseases. Identifiers: MedGen C0950123, MeSH D030342.

Submissions (2):

Ambry Genetics
Classification: Uncertain significance for Inborn genetic diseases. Last evaluated: 2025-08-07. Review status: criteria provided, single submitter. Criteria: Ambry Variant Classification Scheme 2023. Collection method: clinical testing. Allele origin: germline.

Labcorp Genetics (formerly Invitae), Labcorp
Classification: Uncertain significance. Last evaluated: 2023-02-04. Review status: criteria provided, single submitter. Criteria: Invitae Variant Classification Sherloc (09022015). Collection method: clinical testing. Allele origin: germline.
Comment: Advanced modeling of protein sequence and biophysical properties (such as structural, functional, and spatial information, amino acid conservation, physicochemical variation, residue mobility, and thermodynamic stability) has been performed at Invitae for this missense variant, however the output from this modeling did not meet the statistical confidence thresholds required to predict the impact of this variant on DEAF1 protein function. In summary, the available evidence is currently insufficient to determine the role of this variant in disease. Therefore, it has been classified as a Variant of Uncertain Significance. This sequence change replaces isoleucine, which is neutral and non-polar, with valine, which is neutral and non-polar, at codon 157 of the DEAF1 protein (p.Ile157Val). This variant is not present in population databases (gnomAD no frequency). This variant has not been reported in the literature in individuals affected with DEAF1-related conditions.

NM_021008.4(DEAF1):c.469A>G (p.Ile157Val)

Gene: DEAF1 (DEAF1 transcription factor; minus strand). Cytogenetic location: 11p15.5.
Variant type: single nucleotide variant.
Coding change: c.469A>G on transcript NM_021008.4 (MANE Select); coding-DNA position 469, A replaced by G.
Protein change: p.Ile157Val; replaces isoleucine 157 with valine.
Molecular consequence: missense variant. On other transcripts: 5 prime UTR variant (1).
Genome position (GRCh38, 1-based): chr11:688,379, T>C on the plus strand (A>G on the coding strand, the complement: DEAF1 is on the minus strand). VCF-style: chr11-688379-T-C. GRCh37 (hg19) VCF-style: chr11-688379-T-C.
Other names: c.469A>G, p.Ile157Val (NM_001293634.2); c.-258A>G (NM_001367390.1); c.469A>G (NM_021008.2); short protein forms I157V.
Identifiers: ClinVar variation 2817453 (VCV002817453.4), dbSNP rs1341583935, ClinGen allele CA378935301.